The following is an entry in ClinVar:

NM_001165963.4(SCN1A):c.2815C>T (p.His939Tyr)

Gene: SCN1A (sodium voltage-gated channel alpha subunit 1; minus strand). Cytogenetic location: 2q24.3.
Variant type: single nucleotide variant.
Coding change: c.2815C>T on transcript NM_001165963.4 (MANE Select); coding-DNA position 2815, C replaced by T.
Protein change: p.His939Tyr; replaces histidine 939 with tyrosine.
Molecular consequence: missense variant. On other transcripts: non-coding transcript variant (1).
Genome position (GRCh38, 1-based): chr2:166,037,907, G>A on the plus strand (C>T on the coding strand, the complement: SCN1A is on the minus strand). VCF-style: chr2-166037907-G-A. GRCh37 (hg19) VCF-style: chr2-166894417-G-A.
Other names: c.2731C>T, p.His911Tyr (NM_001165964.3, NM_001353957.2, NM_001353958.2); c.2815C>T, p.His939Tyr (NM_001202435.3, NM_001353948.2); c.2782C>T, p.His928Tyr (NM_001353949.2, NM_001353950.2, NM_001353951.2 and 2 more transcripts); c.2779C>T, p.His927Tyr (NM_001353954.2, NM_001353955.2); c.2728C>T, p.His910Tyr (NM_001353960.2); c.373C>T, p.His125Tyr (NM_001353961.2); short protein forms H928Y, H939Y, H911Y, H125Y, H910Y, H927Y.
Identifiers: ClinVar variation 68600 (VCV000068600.4), dbSNP rs121918736, ClinGen allele CA285087.

ClinVar aggregate classification (germline): Pathogenic/Likely pathogenic. Review status: criteria provided, multiple submitters, no conflicts (2 of 4 stars). 4 submissions from 4 submitters: Pathogenic (1); Likely pathogenic (2). 1 of the submissions does not count toward it. Last evaluated 2024-09-22.

Conditions:
Severe myoclonic epilepsy in infancy (DRVT). Also called: SEVERE MYOCLONIC EPILEPSY OF INFANCY; DEVELOPMENTAL AND EPILEPTIC ENCEPHALOPATHY 6A; Severe Myoclonic Epilepsy in Infancy (SMEI); Dravet syndrome; Epileptic encephalopathy, early infantile, 6 (Dravet syndrome). Identifiers: Orphanet 33069, MedGen C0751122, MONDO:0100135, OMIM 607208.

Submissions (4):

Genomic Medicine Center of Excellence, King Faisal Specialist Hospital and Research Centre
Classification: Likely pathogenic for Severe myoclonic epilepsy in infancy. Last evaluated: 2024-09-22. Review status: criteria provided, single submitter. Criteria: ACMG Guidelines, 2015. Collection method: clinical testing. Allele origin: germline.

GeneDx
Classification: Likely pathogenic. Last evaluated: 2019-03-14. Review status: criteria provided, single submitter. Criteria: GeneDx Variant Classification Process June 2021. Collection method: clinical testing. Allele origin: germline. Affected: yes.
Comment: Not observed in large population cohorts (Lek et al., 2016); The majority of missense variants in this gene are considered pathogenic (Stenson et al., 2014); In silico analysis, which includes protein predictors and evolutionary conservation, supports a deleterious effect; This variant is associated with the following publications: (PMID: 28150151, 20431604)

Center for Bioinformatics, Peking University
Classification: Pathogenic for Dravet syndrome. Last evaluated: 2014-12-20. Review status: criteria provided, single submitter. Criteria: Xu et al. (Hum Mutat. 2015). Collection method: research. Allele origin: de novo. Affected: yes. Observed: 1 variant allele. Study: University Clinical Cooperation “985 Project” PKU-2014-1-1.
Comment: Dravet syndrome (DS) probands were recruited from the outpatient and inpatient child neurology units of Peking University First Hospital from 2005 till present. The study was approved by the Ethics Committee of Peking University First Hospital and the Institutional Review Board at Peking University. Participants or their parents provided written informed consent before enrollment. We collected a total of 267 mutations from 255 families with probands diagnosed with DS in China. All probands fulfilled the clinical diagnostic criteria.

UniProtKB/Swiss-Prot
No classification provided. Condition: Severe myoclonic epilepsy in infancy. Review status: no classification provided. Collection method: not provided. Allele origin: germline. Not counted in ClinVar's aggregate classification.